The following is an entry in ClinVar:

ClinVar aggregate classification (germline): Uncertain significance (1 of 4 stars; one submission).

Submission:

GeneDx
Classification: Uncertain significance. Last evaluated: 2023-03-28. Review status: criteria provided, single submitter. Criteria: GeneDx Variant Classification Process June 2021. Collection method: clinical testing. Allele origin: germline. Affected: yes.
Comment: Not observed at significant frequency in large population cohorts (gnomAD); In silico analysis supports that this missense variant does not alter protein structure/function; Has not been previously published as pathogenic or benign to our knowledge

NM_001378183.1(PIEZO2):c.4123A>G (p.Ile1375Val)

Gene: PIEZO2 (piezo type mechanosensitive ion channel component 2; minus strand). Cytogenetic location: 18p11.22.
Variant type: single nucleotide variant.
Coding change: c.4123A>G on transcript NM_001378183.1 (MANE Select); coding-DNA position 4123, A replaced by G.
Protein change: p.Ile1375Val; replaces isoleucine 1375 with valine.
Molecular consequence: missense variant.
Genome position (GRCh38, 1-based): chr18:10,752,680, T>C on the plus strand (A>G on the coding strand, the complement: PIEZO2 is on the minus strand). VCF-style: chr18-10752680-T-C. GRCh37 (hg19) VCF-style: chr18-10752678-T-C.
Other names: c.4123A>G, p.Ile1375Val (NM_001410871.1); c.4048A>G, p.Ile1350Val (NM_022068.4); short protein forms I1350V, I1375V.
Identifiers: ClinVar variation 2581734 (VCV002581734.1), dbSNP rs2037693003, ClinGen allele CA401919692.